The following is an entry in ClinVar:

ClinVar aggregate classification (germline): Uncertain significance (1 of 4 stars; one submission).

Submission:

Labcorp Genetics (formerly Invitae), Labcorp
Classification: Uncertain significance. Last evaluated: 2025-01-13. Review status: criteria provided, single submitter. Criteria: Invitae Variant Classification Sherloc (09022015). Collection method: clinical testing. Allele origin: germline.
Comment: This sequence change replaces lysine, which is basic and polar, with arginine, which is basic and polar, at codon 664 of the SPART protein (p.Lys664Arg). This variant is not present in population databases (gnomAD no frequency). This variant has not been reported in the literature in individuals affected with SPART-related conditions. ClinVar contains an entry for this variant (Variation ID: 1482553). An algorithm developed to predict the effect of missense changes on protein structure and function outputs the following: PolyPhen-2: "Not Available". The arginine amino acid residue is found in multiple mammalian species, which suggests that this missense change does not adversely affect protein function. In summary, the available evidence is currently insufficient to determine the role of this variant in disease. Therefore, it has been classified as a Variant of Uncertain Significance.

NM_015087.5(SPART):c.1991A>G (p.Lys664Arg)

Gene: SPART (spartin; minus strand). Cytogenetic location: 13q13.3.
Variant type: single nucleotide variant.
Coding change: c.1991A>G on transcript NM_015087.5 (MANE Select); coding-DNA position 1991, A replaced by G.
Protein change: p.Lys664Arg; replaces lysine 664 with arginine.
Molecular consequence: missense variant.
Genome position (GRCh38, 1-based): chr13:36,304,375, T>C on the plus strand (A>G on the coding strand, the complement: SPART is on the minus strand). VCF-style: chr13-36304375-T-C. GRCh37 (hg19) VCF-style: chr13-36878512-T-C.
Other names: c.1991A>G, p.Lys664Arg (NM_001142294.2, NM_001142295.2, NM_001142296.2); short protein forms K664R.
Identifiers: ClinVar variation 1482553 (VCV001482553.8), dbSNP rs2137250543, ClinGen allele CA387852717.